The following is an entry in ClinVar:

NM_152383.5(DIS3L2):c.458A>C (p.Gln153Pro)

Gene: DIS3L2 (DIS3 like 3'-5' exoribonuclease 2; plus strand). Cytogenetic location: 2q37.1.
Variant type: single nucleotide variant.
Coding change: c.458A>C on transcript NM_152383.5 (MANE Select); coding-DNA position 458, A replaced by C.
Protein change: p.Gln153Pro; replaces glutamine 153 with proline.
Molecular consequence: missense variant. On other transcripts: non-coding transcript variant (2).
Genome position (GRCh38, 1-based): chr2:232,087,578, A>C. VCF-style: chr2-232087578-A-C. GRCh37 (hg19) VCF-style: chr2-232952288-A-C.
Other names: c.458A>C, p.Gln153Pro (NM_001257281.2, NM_001257282.2); c.458A>C (NM_152383.4); short protein forms Q153P.
Identifiers: ClinVar variation 1387859 (VCV001387859.9), dbSNP rs1490327109, ClinGen allele CA351155015.

ClinVar aggregate classification (germline): Uncertain significance. Review status: criteria provided, multiple submitters, no conflicts (2 of 4 stars). 2 submissions from 2 submitters: Uncertain significance (2). Last evaluated 2022-07-27.

Conditions:
Inborn genetic diseases. Identifiers: MedGen C0950123, MeSH D030342.
Perlman syndrome (PRLMNS). Identifiers: Orphanet 2849, MedGen C0796113, MONDO:0009965, OMIM 267000.

Allele frequency attached by ClinVar (database versions not stated): gnomAD exomes below 0.00001.
gnomAD v4.1: 1 of 1,614,154 alleles (0.000062%); highest among the groups gnomAD compares: East Asian, 0.0022%; no homozygotes.

Submissions (2):

Ambry Genetics
Classification: Uncertain significance for Inborn genetic diseases. Last evaluated: 2022-07-27. Review status: criteria provided, single submitter. Criteria: Ambry Variant Classification Scheme 2023. Collection method: clinical testing. Allele origin: germline.

Labcorp Genetics (formerly Invitae), Labcorp
Classification: Uncertain significance for Perlman syndrome. Last evaluated: 2022-01-28. Review status: criteria provided, single submitter. Criteria: Invitae Variant Classification Sherloc (09022015). Collection method: clinical testing. Allele origin: germline.
Comment: In summary, the available evidence is currently insufficient to determine the role of this variant in disease. Therefore, it has been classified as a Variant of Uncertain Significance. Algorithms developed to predict the effect of missense changes on protein structure and function (SIFT, PolyPhen-2, Align-GVGD) all suggest that this variant is likely to be tolerated. This variant has not been reported in the literature in individuals affected with DIS3L2-related conditions. This variant is present in population databases (no rsID available, gnomAD 0.006%). This sequence change replaces glutamine, which is neutral and polar, with proline, which is neutral and non-polar, at codon 153 of the DIS3L2 protein (p.Gln153Pro).